The following is an entry in ClinVar:

NM_000447.3(PSEN2):c.887-3C>T

Gene: PSEN2 (presenilin 2; plus strand). Cytogenetic location: 1q42.13.
Variant type: single nucleotide variant.
Coding change: c.887-3C>T on transcript NM_000447.3 (MANE Select); 3 bases into the intron before coding-DNA position 887, C replaced by T.
Molecular consequence: intron variant.
Genome position (GRCh38, 1-based): chr1:226,891,275, C>T. VCF-style: chr1-226891275-C-T. GRCh37 (hg19) VCF-style: chr1-227078976-C-T.
Other names: c.887-3C>T (NM_012486.3).
Identifiers: ClinVar variation 1501037 (VCV001501037.6), dbSNP rs1230394996, ClinGen allele CA732353196.
Genomic context (GRCh38, chr1:226,891,275, plus strand): 5'-CCAGGCCCTGCAGGCAGCCACTGTTAGCACCGCCTGAGATGTGAACCTTTTCTCCTCCCC[C>T]AGCTGCCATGGTGTGGACGGTTGGCATGGCGAAGCTGGACCCCTCCTCTCAGGGTGCCCT-3'

ClinVar aggregate classification (germline): Uncertain significance (1 of 4 stars; one submission).

Conditions:
Alzheimer disease 4 (AD4). Identifiers: Orphanet 1020, MedGen C1847200, MONDO:0011743, OMIM 606889.

Allele frequency attached by ClinVar (database versions not stated): gnomAD exomes below 0.00001; TOPMed below 0.00001; gnomAD 0.00001.
gnomAD v4.1: 4 of 1,613,504 alleles (0.00025%); highest among the groups gnomAD compares: East Asian, 0.0022%; no homozygotes.

Submission:

Labcorp Genetics (formerly Invitae), Labcorp
Classification: Uncertain significance for Alzheimer disease 4. Last evaluated: 2021-08-30. Review status: criteria provided, single submitter. Criteria: Invitae Variant Classification Sherloc (09022015). Collection method: clinical testing. Allele origin: germline.
Comment: This sequence change falls in intron 9 of the PSEN2 gene. It does not directly change the encoded amino acid sequence of the PSEN2 protein. It affects a nucleotide within the consensus splice site of the intron. This variant is not present in population databases (ExAC no frequency). This variant has been observed in individual(s) with Alzheimer disease (PMID: 30954774). This variant is also known as chr1:227078976-C-T. Variants that disrupt the consensus splice site are a relatively common cause of aberrant splicing (PMID: 17576681, 9536098). Algorithms developed to predict the effect of sequence changes on RNA splicing suggest that this variant is not likely to affect RNA splicing. In summary, the available evidence is currently insufficient to determine the role of this variant in disease. Therefore, it has been classified as a Variant of Uncertain Significance.

Literature cited by the submitters: PubMed 30954774; PubMed 17576681; PubMed 9536098.